The following is an entry in ClinVar:

NM_006005.3(WFS1):c.2652C>G (p.Phe884Leu)

Gene: WFS1 (wolframin ER transmembrane glycoprotein; plus strand). Cytogenetic location: 4p16.1.
Variant type: single nucleotide variant.
Coding change: c.2652C>G on transcript NM_006005.3 (MANE Select); coding-DNA position 2652, C replaced by G.
Protein change: p.Phe884Leu; replaces phenylalanine 884 with leucine.
Molecular consequence: missense variant.
Genome position (GRCh38, 1-based): chr4:6,302,447, C>G. VCF-style: chr4-6302447-C-G. GRCh37 (hg19) VCF-style: chr4-6304174-C-G.
Other names: c.2652C>G, p.Phe884Leu (NM_001145853.1); short protein forms F884L.
Identifiers: ClinVar variation 2806820 (VCV002806820.3), dbSNP rs1730982450, ClinGen allele CA356179728.
Genomic context (GRCh38, chr4:6,302,447, plus strand): 5'-GCACGACTGGCGCAGCACCGTGCATGGCGCCGTGAAGTTCGCCTTCGACTTCTTTTTCTT[C>G]CCATTCCTGTCGGCGGCCTGAGGATGGTCCGCCACGAGGAGCTTCCAGTGCATGTTGCCA-3'
Protein context (NP_005996.2, residues 874-890): AVKFAFDFFF[Phe884Leu]PFLSAA

ClinVar aggregate classification (germline): Uncertain significance (1 of 4 stars; one submission).

Allele frequency attached by ClinVar (database versions not stated): TOPMed below 0.00001.
gnomAD v4.1: 3 of 1,613,094 alleles (0.00019%); highest among the groups gnomAD compares: South Asian, 0.0033%; no homozygotes.

Submission:

Labcorp Genetics (formerly Invitae), Labcorp
Classification: Uncertain significance. Last evaluated: 2023-11-13. Review status: criteria provided, single submitter. Criteria: Invitae Variant Classification Sherloc (09022015). Collection method: clinical testing. Allele origin: germline.
Comment: This sequence change replaces phenylalanine, which is neutral and non-polar, with leucine, which is neutral and non-polar, at codon 884 of the WFS1 protein (p.Phe884Leu). This variant is not present in population databases (gnomAD no frequency). This variant has not been reported in the literature in individuals affected with WFS1-related conditions. Advanced modeling of protein sequence and biophysical properties (such as structural, functional, and spatial information, amino acid conservation, physicochemical variation, residue mobility, and thermodynamic stability) performed at Invitae indicates that this missense variant is not expected to disrupt WFS1 protein function with a negative predictive value of 95%. In summary, the available evidence is currently insufficient to determine the role of this variant in disease. Therefore, it has been classified as a Variant of Uncertain Significance.